The following is an entry in ClinVar:

ClinVar aggregate classification (germline): Conflicting classifications of pathogenicity. Review status: criteria provided, conflicting classifications (1 of 4 stars). 2 submissions from 2 submitters: Uncertain significance (1); Likely benign (1). Last evaluated 2025-03-01.

Allele frequency attached by ClinVar (database versions not stated): ExAC 0.00009; gnomAD 0.00019; TOPMed 0.00029; gnomAD exomes 0.00068.

Submissions (2):

CeGaT Center for Human Genetics Tuebingen
Classification: Likely benign. Last evaluated: 2025-03-01. Review status: criteria provided, single submitter. Criteria: CeGaT Center For Human Genetics Tuebingen Variant Classification Criteria Version 2. Collection method: clinical testing. Allele origin: germline. Affected: yes. Observed: 1 variant allele.
Comment: NOS3: BP4

Ambry Genetics
Classification: Uncertain significance. Last evaluated: 2024-07-02. Review status: criteria provided, single submitter. Criteria: Ambry Variant Classification Scheme 2023. Collection method: clinical testing. Allele origin: germline.

NM_000603.5(NOS3):c.2471C>T (p.Thr824Ile)

Gene: NOS3 (nitric oxide synthase 3; plus strand). Cytogenetic location: 7q36.1.
Variant type: single nucleotide variant.
Coding change: c.2471C>T on transcript NM_000603.5 (MANE Select); coding-DNA position 2471, C replaced by T.
Protein change: p.Thr824Ile; replaces threonine 824 with isoleucine.
Molecular consequence: missense variant.
Genome position (GRCh38, 1-based): chr7:151,009,544, C>T. VCF-style: chr7-151009544-C-T. GRCh37 (hg19) VCF-style: chr7-150706632-C-T.
Other names: short protein forms T824I.
Identifiers: ClinVar variation 2270010 (VCV002270010.10), dbSNP rs747502487, ClinGen allele CA4567381.